The following is an entry in ClinVar:

ClinVar aggregate classification (germline): Pathogenic (1 of 4 stars; one submission).

Conditions:
Short-rib thoracic dysplasia 11 with or without polydactyly (SRTD11). Also called: SHORT-RIB THORACIC DYSPLASIA 11 WITHOUT POLYDACTYLY. Identifiers: Orphanet 474, Orphanet 93271, MedGen C3810200, MONDO:0014287, OMIM 615633.

Submission:

Labcorp Genetics (formerly Invitae), Labcorp
Classification: Pathogenic for Short-rib thoracic dysplasia 11 with or without polydactyly. Last evaluated: 2023-04-24. Review status: criteria provided, single submitter. Criteria: Invitae Variant Classification Sherloc (09022015). Collection method: clinical testing. Allele origin: germline.
Comment: This variant has not been reported in the literature in individuals affected with WDR34-related conditions. For these reasons, this variant has been classified as Pathogenic. This variant is not present in population databases (gnomAD no frequency). This sequence change creates a premature translational stop signal (p.Arg373Aspfs*41) in the WDR34 gene. It is expected to result in an absent or disrupted protein product. Loss-of-function variants in WDR34 are known to be pathogenic (PMID: 24183449, 24183451, 28379358).

Literature cited by the submitters: PubMed 24183449; PubMed 24183451; PubMed 28379358.

NM_052844.4(DYNC2I2):c.1117_1118del (p.Arg373fs)

Genes: DYNC2I2 (dynein 2 intermediate chain 2; minus strand), LOC126860772 (CDK7 strongly-dependent group 2 enhancer GRCh37_chr9:131396972-131398171; plus strand). Cytogenetic location: 9q34.11.
Variant type: Microsatellite.
Coding change: c.1117_1118del on transcript NM_052844.4 (MANE Select); coding-DNA positions 1117 to 1118, 2 bases deleted (CG; older notation c.1117_1118delCG).
Protein change: p.Arg373fs; shifts the reading frame from arginine 373.
Molecular consequence: frameshift variant.
Genome position (GRCh38, 1-based): chr9:128,634,785-128,634,786, CG deleted on the plus strand (CG on the coding strand, the reverse complement: DYNC2I2 is on the minus strand); deleting any 2 consecutive bases within chr9:128,634,785-128,634,788 gives the same sequence; the c. name uses the placement nearest the transcript's 3' end. VCF-style (leftmost placement, unchanged base first): chr9-128634784-CCG-C. GRCh37 (hg19) VCF-style: chr9-131397063-CCG-C.
Other names: short protein forms R373fs.
Identifiers: ClinVar variation 2057434 (VCV002057434.4), dbSNP rs2542431260, ClinGen allele CA2580617105.
Genomic context (GRCh38, chr9:128,634,784, plus strand): 5'-ACCGCCGTGGGGGGAGAAGGTAAACTGTGCTGGGGCCCGCAGGGGCACGGAGCTGGGCAT[CCG>C]CGTGAGGGCTGCCTCTCCAGCTGCCAGGGAACACTTGAGCGGGAAGCCGCCTTCCGTGCC-3'